The following is an entry in ClinVar:

NM_000051.4(ATM):c.7261_7262insT (p.Lys2421fs)

Genes: ATM (ATM serine/threonine kinase; plus strand), C11orf65 (chromosome 11 open reading frame 65; minus strand). Cytogenetic location: 11q22.3.
Variant type: Insertion.
Coding change: c.7261_7262insT on transcript NM_000051.4 (MANE Select); coding-DNA positions 7261 to 7262, T inserted.
Protein change: p.Lys2421fs; shifts the reading frame from lysine 2421.
Molecular consequence: frameshift variant. On other transcripts: intron variant (2).
Genome position: GRCh38 VCF-style: chr11-108329192-A-AT. GRCh37 (hg19) VCF-style: chr11-108199919-A-AT.
Other names: c.7261_7262insT, p.Lys2421fs (NM_001351834.2); c.641-20122_641-20121insA (NM_001330368.2); c.*38+6027_*38+6028insA (NM_001351110.2); short protein forms K2421fs.
Identifiers: ClinVar variation 652126 (VCV000652126.7), dbSNP rs1591151905, ClinGen allele CA915948278.

ClinVar aggregate classification (germline): Pathogenic (1 of 4 stars; one submission).

Conditions:
Ataxia-telangiectasia syndrome (AT). Also called: Ataxia-telangiectasia, complementation group D; AT, COMPLEMENTATION GROUP C; ATAXIA-TELANGIECTASIA, COMPLEMENTATION GROUP A; ATAXIA-TELANGIECTASIA, FRESNO VARIANT; Ataxia-telangiectasia; LOUIS-BAR SYNDROME. Identifiers: Orphanet 100, MedGen C0004135, MONDO:0008840, OMIM 208900.

Submission:

Labcorp Genetics (formerly Invitae), Labcorp
Classification: Pathogenic for Ataxia-telangiectasia syndrome. Last evaluated: 2018-12-09. Review status: criteria provided, single submitter. Criteria: Invitae Variant Classification Sherloc (09022015). Collection method: clinical testing. Allele origin: germline.
Comment: This sequence change creates a premature translational stop signal (p.Lys2421Ilefs*8) in the ATM gene. It is expected to result in an absent or disrupted protein product. For these reasons, this variant has been classified as Pathogenic. Loss-of-function variants in ATM are known to be pathogenic (PMID: 23807571, 25614872). This variant has not been reported in the literature in individuals with ATM-related conditions. This variant is not present in population databases (ExAC no frequency).

Literature cited by the submitters: PubMed 23807571; PubMed 25614872.